The following is an entry in ClinVar:

ClinVar aggregate classification (germline): Uncertain significance. Review status: criteria provided, multiple submitters, no conflicts (2 of 4 stars). 3 submissions from 3 submitters: Uncertain significance (3). Last evaluated 2022-03-09.

Conditions:
Deficiency of ferroxidase (ACEP). Also called: Deficiency of ceruloplasmin; Aceruloplasminemia; Ceruloplasmin deficiency; Familial apoceruloplasmin deficiency; Hereditary ceruloplasmin deficiency; NEURODEGENERATION WITH BRAIN IRON ACCUMULATION 10. Identifiers: Orphanet 48818, MedGen C0878682, MONDO:0011426, OMIM 604290, HP:0025498.

Allele frequency attached by ClinVar (database versions not stated): ExAC 0.00001; gnomAD 0.00005; TOPMed 0.00006; ESP Exome Variant Server 0.00008; gnomAD exomes below 0.00001.
gnomAD v4.1: 13 of 1,614,026 alleles (0.00081%); highest among the groups gnomAD compares: African/African-American, 0.011%; no homozygotes.

Submissions (3):

Fulgent Genetics
Classification: Uncertain significance for Deficiency of ferroxidase. Last evaluated: 2022-03-09. Review status: criteria provided, single submitter. Criteria: ACMG Guidelines, 2015. Collection method: clinical testing. Allele origin: unknown.

Labcorp Genetics (formerly Invitae), Labcorp
Classification: Uncertain significance for Deficiency of ferroxidase. Last evaluated: 2021-12-12. Review status: criteria provided, single submitter. Criteria: Invitae Variant Classification Sherloc (09022015). Collection method: clinical testing. Allele origin: germline.
Comment: This sequence change replaces tyrosine, which is neutral and polar, with cysteine, which is neutral and slightly polar, at codon 491 of the CP protein (p.Tyr491Cys). This variant is present in population databases (rs373531113, gnomAD 0.01%). This variant has not been reported in the literature in individuals affected with CP-related conditions. ClinVar contains an entry for this variant (Variation ID: 391592). Advanced modeling of protein sequence and biophysical properties (such as structural, functional, and spatial information, amino acid conservation, physicochemical variation, residue mobility, and thermodynamic stability) performed at Invitae indicates that this missense variant is expected to disrupt CP protein function. In summary, the available evidence is currently insufficient to determine the role of this variant in disease. Therefore, it has been classified as a Variant of Uncertain Significance.

GeneDx
Classification: Uncertain significance. Last evaluated: 2016-12-21. Review status: criteria provided, single submitter. Criteria: GeneDx Variant Classification (06012015). Collection method: clinical testing. Allele origin: germline. Affected: yes.
Comment: The Y491C variant in the CP gene has not been reported previously as a pathogenic variant, nor as a benign variant, to our knowledge. The Y491C variant was not observed with any significant frequency in approximately 6500 individuals of European and African American ancestry in the NHLBI Exome Sequencing Project, indicating it is not a common benign variant in these populations. The Y491C variant is a non-conservative amino acid substitution, which is likely to impact secondary protein structure as these residues differ in polarity, charge, size and/or other properties. This substitution occurs at a position that is conserved across species. In silico analysis predicts this variant is probably damaging to the protein structure/function. We interpret Y491C as a variant of uncertain significance.

NM_000096.4(CP):c.1472A>G (p.Tyr491Cys)

Gene: CP (ceruloplasmin; minus strand). Cytogenetic location: 3q24.
Variant type: single nucleotide variant.
Coding change: c.1472A>G on transcript NM_000096.4 (MANE Select); coding-DNA position 1472, A replaced by G.
Protein change: p.Tyr491Cys; replaces tyrosine 491 with cysteine.
Molecular consequence: missense variant. On other transcripts: non-coding transcript variant (1).
Genome position (GRCh38, 1-based): chr3:149,199,741, T>C on the plus strand (A>G on the coding strand, the complement: CP is on the minus strand). VCF-style: chr3-149199741-T-C. GRCh37 (hg19) VCF-style: chr3-148917528-T-C.
Other names: short protein forms Y491C.
Identifiers: ClinVar variation 391592 (VCV000391592.5), dbSNP rs373531113, ClinGen allele CA2661007.